The following is an entry in ClinVar:

ClinVar aggregate classification (germline): Uncertain significance (1 of 4 stars; one submission).

Conditions:
Renal cell carcinoma. Identifiers: Orphanet 217071, MedGen C0007134, MeSH D002292, MONDO:0005086, HP:0005584.

Submission:

Labcorp Genetics (formerly Invitae), Labcorp
Classification: Uncertain significance for Renal cell carcinoma. Last evaluated: 2019-08-26. Review status: criteria provided, single submitter. Criteria: Invitae Variant Classification Sherloc (09022015). Collection method: clinical testing. Allele origin: germline.
Comment: This sequence change replaces glycine with arginine at codon 456 of the MET protein (p.Gly456Arg). The glycine residue is highly conserved and there is a moderate physicochemical difference between glycine and arginine. This variant is not present in population databases (ExAC no frequency). This variant has not been reported in the literature in individuals with MET-related conditions. Algorithms developed to predict the effect of missense changes on protein structure and function are either unavailable or do not agree on the potential impact of this missense change (SIFT: "Deleterious"; PolyPhen-2: "Probably Damaging"; Align-GVGD: "Class C15"). In summary, the available evidence is currently insufficient to determine the role of this variant in disease. Therefore, it has been classified as a Variant of Uncertain Significance.

NM_000245.4(MET):c.1366G>A (p.Gly456Arg)

Gene: MET (MET proto-oncogene, receptor tyrosine kinase; plus strand). Cytogenetic location: 7q31.2.
Variant type: single nucleotide variant.
Coding change: c.1366G>A on transcript NM_000245.4 (MANE Select); coding-DNA position 1366, G replaced by A.
Protein change: p.Gly456Arg; replaces glycine 456 with arginine.
Molecular consequence: missense variant.
Genome position (GRCh38, 1-based): chr7:116,731,833, G>A. VCF-style: chr7-116731833-G-A. GRCh37 (hg19) VCF-style: chr7-116371887-G-A.
Other names: c.1366G>A, p.Gly456Arg (NM_001127500.3, NM_001324401.3); c.76G>A, p.Gly26Arg (NM_001324402.2); short protein forms G26R, G456R.
Identifiers: ClinVar variation 963255 (VCV000963255.9), dbSNP rs1793020405, ClinGen allele CA368973062.